The following is an entry in ClinVar:

NM_000059.4(BRCA2):c.3151T>G (p.Leu1051Val)

Gene: BRCA2 (BRCA2 DNA repair associated; plus strand). Cytogenetic location: 13q13.1.
Variant type: single nucleotide variant.
Coding change: c.3151T>G on transcript NM_000059.4 (MANE Select); coding-DNA position 3151, T replaced by G.
Protein change: p.Leu1051Val; replaces leucine 1051 with valine.
Molecular consequence: missense variant. On other transcripts: non-coding transcript variant (1), intron variant (2).
Genome position (GRCh38, 1-based): chr13:32,337,506, T>G. VCF-style: chr13-32337506-T-G. GRCh37 (hg19) VCF-style: chr13-32911643-T-G.
Other names: c.3151T>G, p.Leu1051Val (NM_001406719.1, NM_001406720.1, NM_001432077.1); c.1909+4119T>G (NM_001406721.1); c.424+6476T>G (NM_001406722.1); short protein forms L1051V.
Identifiers: ClinVar variation 4882924 (VCV004882924.2).
Genomic context (GRCh38, chr13:32,337,506, plus strand): 5'-TTCAAAGATATTGAAGAACAATATCCTACTAGTTTAGCTTGTGTTGAAATTGTAAATACC[T>G]TGGCATTAGATAATCAAAAGAAACTGAGCAAGCCTCAGTCAATTAATACTGTATCTGCAC-3'
Protein context (NP_000050.3, residues 1041-1061): SLACVEIVNT[Leu1051Val]ALDNQKKLSK

ClinVar aggregate classification (germline): Uncertain significance (1 of 4 stars; one submission).

Conditions:
BRCA2-related cancer predisposition. Identifiers: MedGen CN377758, MONDO:0700269.

Submission:

Dasa
Classification: Uncertain significance for BRCA2-related cancer predisposition. Last evaluated: 2024-12-16. Review status: criteria provided, single submitter. Criteria: DASA Assertion Criteria. Collection method: clinical testing. Allele origin: germline.
Comment: NM_000059.4(BRCA2):c.3151T>G (p.Leu1051Val) is a missense variant that results in the substitution of leucine with valine. This variant is absent from population databases. The currently available literature and clinical evidence are not sufficient to establish a definitive association between this variant and the reported condition. Therefore, this variant is classified as a variant of uncertain significance.